The following is an entry in ClinVar:

NM_139248.3(LIPH):c.482G>A (p.Gly161Glu)

Gene: LIPH (lipase H; minus strand). Cytogenetic location: 3q27.2.
Variant type: single nucleotide variant.
Coding change: c.482G>A on transcript NM_139248.3 (MANE Select); coding-DNA position 482, G replaced by A.
Protein change: p.Gly161Glu; replaces glycine 161 with glutamic acid.
Molecular consequence: missense variant.
Genome position (GRCh38, 1-based): chr3:185,533,615, C>T on the plus strand (G>A on the coding strand, the complement: LIPH is on the minus strand). VCF-style: chr3-185533615-C-T. GRCh37 (hg19) VCF-style: chr3-185251403-C-T.
Other names: short protein forms G161E.
Identifiers: ClinVar variation 3359263 (VCV003359263.2).
Genomic context (GRCh38, chr3:185,533,615, plus strand): 5'-ATTCACAGGCACTTACCTGTAATTCTCCCCAGCCATCCATCGTACATCTCTCCAACAAAC[C>T]CAGATATGTGGGCTCCTAGACTTACTCCGATCATGTAAATGTCATCAAGAGAAGCTCCTT-3'
Protein context (NP_640341.1, residues 151-171): IGVSLGAHIS[Gly161Glu]FVGEMYDGWL

ClinVar aggregate classification (germline): Uncertain significance (1 of 4 stars; one submission).

Conditions:
Hypotrichosis 7 (HYPT7). Also called: HYPOTRICHOSIS, LOCALIZED, AUTOSOMAL RECESSIVE 2; HYPOTRICHOSIS, AUTOSOMAL RECESSIVE. Identifiers: Orphanet 55654, MedGen C1836672, MONDO:0011452, OMIM 604379.

gnomAD v4.1: 3 of 1,613,956 alleles (0.00019%); no homozygotes.

Submission:

Suma Genomics
Classification: Uncertain significance for Hypotrichosis 7. Review status: criteria provided, single submitter. Criteria: ACMG Guidelines, 2015. Collection method: clinical testing. Allele origin: germline. Inheritance: Autosomal recessive inheritance. Affected: yes. Observed: 1 homozygote.
Comment: A missense variant c.482G>A, p.(Gly161Glu) is observed in exon 3 of LIPH in homozygous state. This variant is observed in three individuals in the gnomAD database in heterozygous state. The in-silico analysis tool REVEL consistently predicts that this variant is disease-causing. ACMG criteria: PM2_Supporting, and PP3